The following is an entry in ClinVar:

ClinVar aggregate classification (germline): Uncertain significance (1 of 4 stars; one submission).

Allele frequency attached by ClinVar (database versions not stated): gnomAD 0.00001; TOPMed 0.00001; ESP Exome Variant Server 0.00008.
gnomAD v4.1: 16 of 1,614,112 alleles (0.00099%); highest among the groups gnomAD compares: Non-Finnish European, 0.0012%; no homozygotes.

Submission:

Labcorp Genetics (formerly Invitae), Labcorp
Classification: Uncertain significance. Last evaluated: 2023-05-22. Review status: criteria provided, single submitter. Criteria: Invitae Variant Classification Sherloc (09022015). Collection method: clinical testing. Allele origin: germline.
Comment: In summary, the available evidence is currently insufficient to determine the role of this variant in disease. Therefore, it has been classified as a Variant of Uncertain Significance. Advanced modeling of protein sequence and biophysical properties (such as structural, functional, and spatial information, amino acid conservation, physicochemical variation, residue mobility, and thermodynamic stability) performed at Invitae indicates that this missense variant is expected to disrupt ABCC6 protein function. ClinVar contains an entry for this variant (Variation ID: 1517912). This missense change has been observed in individual(s) with pseudoxanthoma elasticum (PMID: 34906475). This variant is present in population databases (rs370039769, gnomAD 0.0009%). This sequence change replaces isoleucine, which is neutral and non-polar, with asparagine, which is neutral and polar, at codon 831 of the ABCC6 protein (p.Ile831Asn).

Literature cited by the submitters: PubMed 34906475.

NM_001171.6(ABCC6):c.2492T>A (p.Ile831Asn)

Gene: ABCC6 (ATP binding cassette subfamily C member 6; minus strand). Cytogenetic location: 16p13.11.
Variant type: single nucleotide variant.
Coding change: c.2492T>A on transcript NM_001171.6 (MANE Select); coding-DNA position 2492, T replaced by A.
Protein change: p.Ile831Asn; replaces isoleucine 831 with asparagine.
Molecular consequence: missense variant.
Genome position (GRCh38, 1-based): chr16:16,177,550, A>T on the plus strand (T>A on the coding strand, the complement: ABCC6 is on the minus strand). VCF-style: chr16-16177550-A-T. GRCh37 (hg19) VCF-style: chr16-16271407-A-T.
Other names: c.2150T>A, p.Ile717Asn (NM_001351800.1); short protein forms I717N, I831N.
Identifiers: ClinVar variation 1517912 (VCV001517912.5), dbSNP rs370039769, ClinGen allele CA7925898.